The following is an entry in ClinVar:

ClinVar aggregate classification (germline): Uncertain significance. Review status: criteria provided, multiple submitters, no conflicts (2 of 4 stars). 2 submissions from 2 submitters: Uncertain significance (2). Last evaluated 2025-10-27.

Allele frequency attached by ClinVar (database versions not stated): gnomAD 0.00001; TOPMed 0.00001.
gnomAD v4.1: 20 of 1,524,974 alleles (0.0013%); highest among the groups gnomAD compares: Non-Finnish European, 0.0017%; no homozygotes.

Submissions (2):

Women's Health and Genetics/Laboratory Corporation of America, LabCorp
Classification: Uncertain significance. Last evaluated: 2025-10-27. Review status: criteria provided, single submitter. Criteria: LabCorp Variant Classification Summary - May 2015. Collection method: clinical testing. Allele origin: germline.
Comment: Variant summary: HPS6 c.383T>C (p.Val128Ala) results in a non-conservative amino acid change in the encoded protein sequence. Algorithms developed to predict the effect of missense changes on protein structure and function are either unavailable or do not agree on the potential impact of this missense change. The variant was absent in 124402 control chromosomes. c.383T>C has been observed in at least one homozygous individual affected with Hermansky-Pudlak Syndrome (e.g. Han_2018). These data indicate that the variant may be associated with disease. At least one publication reports experimental evidence evaluating an impact on protein function. The most pronounced variant effect results in reduced mRNA and protein expression (e.g. Han_2018). The following publication has been ascertained in the context of this evaluation (PMID: 30369044). ClinVar contains an entry for this variant (Variation ID: 1410304). Based on the evidence outlined above, the variant was classified as VUS-possibly pathogenic.

Labcorp Genetics (formerly Invitae), Labcorp
Classification: Uncertain significance. Last evaluated: 2021-04-23. Review status: criteria provided, single submitter. Criteria: Invitae Variant Classification Sherloc (09022015). Collection method: clinical testing. Allele origin: germline.
Comment: In summary, the available evidence is currently insufficient to determine the role of this variant in disease. Therefore, it has been classified as a Variant of Uncertain Significance. Studies have shown that this variant alters HPS6 gene expression (PMID: 30369044). This variant has been observed in individual(s) with Hermansky-Pudlak syndrome (PMID: 30369044). The frequency data for this variant in the population databases is considered unreliable, as metrics indicate insufficient coverage at this position in the ExAC database. This sequence change replaces valine with alanine at codon 128 of the HPS6 protein (p.Val128Ala). The valine residue is highly conserved and there is a small physicochemical difference between valine and alanine.

Literature cited by the submitters: PubMed 30369044 (cited by Women's Health and Genetics/Laboratory Corporation of America, LabCorp and Labcorp Genetics (formerly Invitae), Labcorp).

NM_024747.6(HPS6):c.383T>C (p.Val128Ala)

Gene: HPS6 (HPS6 biogenesis of lysosomal organelles complex 2 subunit 3; plus strand). Cytogenetic location: 10q24.32.
Variant type: single nucleotide variant.
Coding change: c.383T>C on transcript NM_024747.6 (MANE Select); coding-DNA position 383, T replaced by C.
Protein change: p.Val128Ala; replaces valine 128 with alanine.
Molecular consequence: missense variant.
Genome position (GRCh38, 1-based): chr10:102,065,857, T>C. VCF-style: chr10-102065857-T-C. GRCh37 (hg19) VCF-style: chr10-103825614-T-C.
Other names: short protein forms V128A.
Identifiers: ClinVar variation 1410304 (VCV001410304.9), dbSNP rs1259922446, ClinGen allele CA377856749.